The following is an entry in ClinVar:

ClinVar aggregate classification (germline): Uncertain significance. Review status: criteria provided, multiple submitters, no conflicts (2 of 4 stars). 3 submissions from 3 submitters: Uncertain significance (3). Last evaluated 2026-01-05.

Conditions:
Hereditary cancer-predisposing syndrome. Also called: Hereditary Cancer Syndrome; Neoplastic Syndromes, Hereditary; Tumor predisposition; Hereditary neoplastic syndrome. Identifiers: Orphanet 140162, MedGen C0027672, MeSH D009386, MONDO:0015356.
BAP1-related tumor predisposition syndrome (TPDS1). Also called: Tumor susceptibility linked to germline BAP1 mutations; BAP1 tumor predisposition syndrome; COMMON Syndrome; TUMOR PREDISPOSITION SYNDROME 1. Identifiers: Orphanet 289539, MedGen C3280492, MONDO:0013692, OMIM 614327.

Allele frequency attached by ClinVar (database versions not stated): gnomAD exomes below 0.00001.

Submissions (3):

Labcorp Genetics (formerly Invitae), Labcorp
Classification: Uncertain significance for BAP1-related tumor predisposition syndrome. Last evaluated: 2026-01-05. Review status: criteria provided, single submitter. Criteria: Invitae Variant Classification Sherloc (09022015). Collection method: clinical testing. Allele origin: germline.
Comment: This sequence change replaces arginine, which is basic and polar, with glutamine, which is neutral and polar, at codon 713 of the BAP1 protein (p.Arg713Gln). This variant is not present in population databases (gnomAD no frequency). This variant has not been reported in the literature in individuals affected with BAP1-related conditions. ClinVar contains an entry for this variant (Variation ID: 490845). Invitae Evidence Modeling of protein sequence and biophysical properties (such as structural, functional, and spatial information, amino acid conservation, physicochemical variation, residue mobility, and thermodynamic stability) indicates that this missense variant is not expected to disrupt BAP1 protein function with a negative predictive value of 80%. In summary, the available evidence is currently insufficient to determine the role of this variant in disease. Therefore, it has been classified as a Variant of Uncertain Significance.

Color Diagnostics, LLC DBA Color Health
Classification: Uncertain significance for Hereditary cancer-predisposing syndrome. Last evaluated: 2023-12-04. Review status: criteria provided, single submitter. Criteria: ACMG Guidelines, 2015. Collection method: clinical testing. Allele origin: germline.
Comment: This missense variant replaces arginine with glutamine at codon 713 of the BAP1 protein. Computational prediction suggests that this variant may not impact protein structure and function (internally defined REVEL score threshold <= 0.5, PMID: 27666373). To our knowledge, functional studies have not been reported for this variant. This variant has not been reported in individuals affected with BAP1-related disorders in the literature. This variant has not been identified in the general population by the Genome Aggregation Database (gnomAD). The available evidence is insufficient to determine the role of this variant in disease conclusively. Therefore, this variant is classified as a Variant of Uncertain Significance.

Ambry Genetics
Classification: Uncertain significance for Hereditary cancer-predisposing syndrome. Last evaluated: 2023-09-15. Review status: criteria provided, single submitter. Criteria: Ambry Variant Classification Scheme 2023. Collection method: clinical testing. Allele origin: germline.
Comment: The p.R713Q variant (also known as c.2138G>A), located in coding exon 17 of the BAP1 gene, results from a G to A substitution at nucleotide position 2138. The arginine at codon 713 is replaced by glutamine, an amino acid with highly similar properties. This amino acid position is highly conserved in available vertebrate species. In addition, this alteration is predicted to be tolerated by in silico analysis. Since supporting evidence is limited at this time, the clinical significance of this alteration remains unclear.

NM_004656.4(BAP1):c.2138G>A (p.Arg713Gln)

Gene: BAP1 (BRCA1 associated deubiquitinase 1; minus strand). Cytogenetic location: 3p21.1.
Variant type: single nucleotide variant.
Coding change: c.2138G>A on transcript NM_004656.4 (MANE Select); coding-DNA position 2138, G replaced by A.
Protein change: p.Arg713Gln; replaces arginine 713 with glutamine.
Molecular consequence: missense variant.
Genome position (GRCh38, 1-based): chr3:52,402,340, C>T on the plus strand (G>A on the coding strand, the complement: BAP1 is on the minus strand). VCF-style: chr3-52402340-C-T. GRCh37 (hg19) VCF-style: chr3-52436356-C-T.
Other names: short protein forms R713Q.
Identifiers: ClinVar variation 490845 (VCV000490845.15), dbSNP rs1435755592, ClinGen allele CA353094173.